The following is an entry in ClinVar:

ClinVar aggregate classification (germline): Likely pathogenic (1 of 4 stars; one submission).

Conditions:
DNAI1-related disorder. Also called: DNAI1-related condition.

Submission:

PreventionGenetics, part of Exact Sciences
Classification: Likely pathogenic for DNAI1-related condition. Last evaluated: 2023-07-21. Review status: criteria provided, single submitter. Criteria: ACMG Guidelines, 2015. Collection method: clinical testing. Allele origin: germline.
Comment: The DNAI1 c.621+1delG variant is predicted to result in a deletion affecting a canonical splice site. This variant is predicted to alter splicing based on available splicing prediction programs (Alamut Visual Plus v1.6.1).To our knowledge, this variant has not been reported in the literature or in a large population database, indicating this variant is rare. Variants that impact splicing of DNAI1 are expected to be pathogenic. This variant is interpreted as likely pathogenic.

NM_012144.4(DNAI1):c.621+1del

Gene: DNAI1 (dynein axonemal intermediate chain 1; plus strand). Cytogenetic location: 9p13.3.
Variant type: Deletion.
Coding change: c.621+1del on transcript NM_012144.4 (MANE Select); the canonical splice donor site of the intron after coding-DNA position 621, one base deleted (G; older notation c.621+1delG).
Molecular consequence: splice donor variant.
Genome position (GRCh38, 1-based): chr9:34,490,489, G deleted; the last of 3 consecutive G bases (chr9:34,490,487-34,490,489); deleting any one gives the same sequence. VCF-style (leftmost placement, unchanged base first): chr9-34490486-CG-C. GRCh37 (hg19) VCF-style: chr9-34490484-CG-C.
Other names: c.633+1del (NM_001281428.2).
Identifiers: ClinVar variation 2632548 (VCV002632548.1), dbSNP rs2492034750, ClinGen allele CA2695201550.